The following is an entry in ClinVar:

ClinVar aggregate classification (germline): Conflicting classifications of pathogenicity. Review status: criteria provided, conflicting classifications (1 of 4 stars). 4 submissions from 4 submitters: Uncertain significance (1); Likely benign (3). Last evaluated 2025-12-03.

Conditions:
Hereditary cancer-predisposing syndrome. Also called: Hereditary Cancer Syndrome; Tumor predisposition; Neoplastic Syndromes, Hereditary; Hereditary neoplastic syndrome. Identifiers: Orphanet 140162, MedGen C0027672, MeSH D009386, MONDO:0015356.
Hereditary leiomyomatosis and renal cell cancer. Also called: MULTIPLE CUTANEOUS AND UTERINE LEIOMYOMATA 1, WITH OR WITHOUT RENAL CELL CARCINOMA; Reed syndrome; Multiple cutaneous and uterine leiomyomatosis; Cutaneous leiomyomata with uterine leiomyomata; Leiomyoma, hereditary multiple, of skin; Multiple cutaneous and uterine leiomyomata. Identifiers: Orphanet 523, MedGen C1708350, MONDO:0007888, OMIM 150800, HP:0007437. Disease mechanism: loss of function.

Allele frequency attached by ClinVar (database versions not stated): gnomAD exomes below 0.00001; TOPMed 0.00001.

Submissions (4):

Labcorp Genetics (formerly Invitae), Labcorp
Classification: Likely benign. Last evaluated: 2025-12-03. Review status: criteria provided, single submitter. Criteria: Invitae Variant Classification Sherloc (09022015). Collection method: clinical testing. Allele origin: germline.

Quest Diagnostics Nichols Institute San Juan Capistrano
Classification: Uncertain significance. Last evaluated: 2025-05-28. Review status: criteria provided, single submitter. Criteria: Quest Diagnostics criteria. Collection method: clinical testing. Allele origin: unknown.
Comment: The FH c.905-3T>C variant has been reported in the published literature in an individual with autism spectrum disorder and epilepsy (PMID: 38539105 (2024)). This variant has not been reported in large, multi-ethnic general populations (Genome Aggregation Database). Analysis of this variant using software algorithms for the prediction of the effect of nucleotide changes on splicing yielded predictions that this variant does not affect FH mRNA splicing. Based on the available information, we are unable to determine the clinical significance of this variant.

Myriad Genetics, Inc.
Classification: Likely benign for Hereditary leiomyomatosis and renal cell cancer. Last evaluated: 2024-10-18. Review status: criteria provided, single submitter. Criteria: Myriad Autosomal Dominant, Autosomal Recessive and X-Linked Classification Criteria (2023). Collection method: clinical testing. Allele origin: unknown.
Comment: This variant is considered likely benign. This variant is intronic and is not expected to impact mRNA splicing.

Ambry Genetics
Classification: Likely benign for Hereditary cancer-predisposing syndrome. Last evaluated: 2023-07-06. Review status: criteria provided, single submitter. Criteria: Ambry Variant Classification Scheme 2023. Collection method: clinical testing. Allele origin: germline.

NM_000143.4(FH):c.905-3T>C

Gene: FH (fumarate hydratase; minus strand). Cytogenetic location: 1q43.
Variant type: single nucleotide variant.
Coding change: c.905-3T>C on transcript NM_000143.4 (MANE Select); 3 bases into the intron before coding-DNA position 905, T replaced by C.
Molecular consequence: intron variant.
Genome position (GRCh38, 1-based): chr1:241,504,248, A>G on the plus strand (T>C on the coding strand, the complement: FH is on the minus strand). VCF-style: chr1-241504248-A-G. GRCh37 (hg19) VCF-style: chr1-241667548-A-G.
Identifiers: ClinVar variation 645854 (VCV000645854.16), dbSNP rs1573880626, ClinGen allele CA915942100.